The following is an entry in ClinVar:

ClinVar aggregate classification (germline): Likely benign (0 of 4 stars; one submission).

Conditions:
RREB1-related disorder. Also called: RREB1-related condition.

Allele frequency attached by ClinVar (database versions not stated): gnomAD 0.00001; ExAC 0.00002; gnomAD exomes 0.00002; TOPMed 0.00002.
gnomAD v4.1: 36 of 1,613,658 alleles (0.0022%); highest among the groups gnomAD compares: Middle Eastern, 0.082%; no homozygotes.

Submission:

PreventionGenetics, part of Exact Sciences
Classification: Likely benign for RREB1-related condition. Last evaluated: 2019-04-01. Review status: no assertion criteria provided. Collection method: clinical testing. Allele origin: germline.
Comment: This variant is classified as likely benign based on ACMG/AMP sequence variant interpretation guidelines (Richards et al. 2015 PMID: 25741868, with internal and published modifications).

NM_001003699.4(RREB1):c.3648T>C (p.His1216=)

Gene: RREB1 (ras responsive element binding protein 1; plus strand). Cytogenetic location: 6p24.3.
Variant type: single nucleotide variant.
Coding change: c.3648T>C on transcript NM_001003699.4 (MANE Select); coding-DNA position 3648, T replaced by C.
Protein change: p.His1216=; no amino-acid change (histidine 1216 retained).
Molecular consequence: synonymous variant.
Genome position (GRCh38, 1-based): chr6:7,231,747, T>C. VCF-style: chr6-7231747-T-C. GRCh37 (hg19) VCF-style: chr6-7231980-T-C.
Other names: c.3648T>C, p.His1216= (NM_001003698.4, NM_001003700.2, NM_001168344.2).
Identifiers: ClinVar variation 3053825 (VCV003053825.2), dbSNP rs758633165, ClinGen allele CA3626249.